The following is an entry in ClinVar:

NM_133433.4(NIPBL):c.4678C>T (p.Pro1560Ser)

Gene: NIPBL (NIPBL cohesin loading factor; plus strand). Cytogenetic location: 5p13.2.
Variant type: single nucleotide variant.
Coding change: c.4678C>T on transcript NM_133433.4 (MANE Select); coding-DNA position 4678, C replaced by T.
Protein change: p.Pro1560Ser; replaces proline 1560 with serine.
Molecular consequence: missense variant.
Genome position (GRCh38, 1-based): chr5:37,016,072, C>T. VCF-style: chr5-37016072-C-T. GRCh37 (hg19) VCF-style: chr5-37016174-C-T.
Other names: c.4678C>T, p.Pro1560Ser (NM_015384.5); c.4678C>T (NM_133433.3); short protein forms P1560S.
Identifiers: ClinVar variation 1334619 (VCV001334619.7), dbSNP rs150683463, ClinGen allele CA117025908.
Genomic context (GRCh38, chr5:37,016,072, plus strand): 5'-CCTTTTCATTATTTGCCTTTGAACAGATGTGGTAGTAAGCAAGGTGAAGAAGATTACAGA[C>T]CACTGTTTGAAAATTTTGTTCAAGACCTTCTTTCAACAGTCAATAAGCCTGAATGGCCAG-3'
Protein context (NP_597677.2, residues 1550-1570): GSKQGEEDYR[Pro1560Ser]LFENFVQDLL

ClinVar aggregate classification (germline): Uncertain significance. Review status: criteria provided, multiple submitters, no conflicts (2 of 4 stars). 3 submissions from 3 submitters: Uncertain significance (3). Last evaluated 2025-04-21.

Conditions:
Inborn genetic diseases. Identifiers: MedGen C0950123, MeSH D030342.
Cornelia de Lange syndrome 1 (CDLS1). Also called: Brachmann de Lange syndrome; NIPBL-Related Cornelia de Lange Syndrome; TYPUS DEGENERATIVUS AMSTELODAMENSIS. Identifiers: Orphanet 199, MedGen C4551851, MONDO:0007387, OMIM 122470.

Allele frequency attached by ClinVar (database versions not stated): gnomAD 0.00001; gnomAD exomes 0.00001; TOPMed 0.00001; ESP Exome Variant Server 0.00008.
gnomAD v4.1: 9 of 1,613,754 alleles (0.00056%); highest among the groups gnomAD compares: Non-Finnish European, 0.00076%; no homozygotes.

Submissions (3):

Ambry Genetics
Classification: Uncertain significance for Inborn genetic diseases. Last evaluated: 2025-04-21. Review status: criteria provided, single submitter. Criteria: Ambry Variant Classification Scheme 2023. Collection method: clinical testing. Allele origin: germline.

Labcorp Genetics (formerly Invitae), Labcorp
Classification: Uncertain significance for Cornelia de Lange syndrome 1. Last evaluated: 2022-10-19. Review status: criteria provided, single submitter. Criteria: Invitae Variant Classification Sherloc (09022015). Collection method: clinical testing. Allele origin: germline.
Comment: In summary, the available evidence is currently insufficient to determine the role of this variant in disease. Therefore, it has been classified as a Variant of Uncertain Significance. Advanced modeling of protein sequence and biophysical properties (such as structural, functional, and spatial information, amino acid conservation, physicochemical variation, residue mobility, and thermodynamic stability) has been performed at Invitae for this missense variant, however the output from this modeling did not meet the statistical confidence thresholds required to predict the impact of this variant on NIPBL protein function. ClinVar contains an entry for this variant (Variation ID: 1334619). This variant has not been reported in the literature in individuals affected with NIPBL-related conditions. This variant is not present in population databases (gnomAD no frequency). This sequence change replaces proline, which is neutral and non-polar, with serine, which is neutral and polar, at codon 1560 of the NIPBL protein (p.Pro1560Ser).

Greenwood Genetic Center Diagnostic Laboratories, Greenwood Genetic Center
Classification: Uncertain significance. Last evaluated: 2021-10-15. Review status: criteria provided, single submitter. Criteria: ACMG Guidelines, 2015. Collection method: clinical testing. Allele origin: germline. Affected: yes.
Comment: PM2